The following is an entry in ClinVar:

ClinVar aggregate classification (germline): Pathogenic (1 of 4 stars; one submission).

Conditions:
Hereditary cancer-predisposing syndrome. Also called: Neoplastic Syndromes, Hereditary; Tumor predisposition; Hereditary Cancer Syndrome; Hereditary neoplastic syndrome. Identifiers: Orphanet 140162, MedGen C0027672, MeSH D009386, MONDO:0015356.

Submission:

Ambry Genetics
Classification: Pathogenic for Hereditary cancer-predisposing syndrome. Last evaluated: 2021-11-30. Review status: criteria provided, single submitter. Criteria: Ambry Variant Classification Scheme 2023. Collection method: clinical testing. Allele origin: germline.
Comment: The c.887delA pathogenic mutation, located in coding exon 7 of the POT1 gene, results from a deletion of one nucleotide at nucleotide position 887, causing a translational frameshift with a predicted alternate stop codon (p.N296Ifs*2). This variant is considered to be rare based on population cohorts in the Genome Aggregation Database (gnomAD). This alteration is expected to result in loss of function by premature protein truncation or nonsense-mediated mRNA decay. As such, this alteration is interpreted as a disease-causing mutation.

NM_015450.3(POT1):c.887del (p.Asn296fs)

Gene: POT1 (protection of telomeres 1; minus strand). Cytogenetic location: 7q31.33.
Variant type: Deletion.
Coding change: c.887del on transcript NM_015450.3 (MANE Select); coding-DNA position 887, one base deleted (A; older notation c.887delA).
Protein change: p.Asn296fs; shifts the reading frame from asparagine 296.
Molecular consequence: frameshift variant. On other transcripts: non-coding transcript variant (3).
Genome position (GRCh38, 1-based): chr7:124,851,934, T deleted on the plus strand (A on the coding strand, the reverse complement: POT1 is on the minus strand); the first of 3 consecutive T bases (chr7:124,851,934-124,851,936); deleting any one gives the same sequence. VCF-style (leftmost placement, unchanged base first): chr7-124851933-AT-A. GRCh37 (hg19) VCF-style: chr7-124491987-AT-A.
Other names: c.494del, p.Asn165fs (NM_001042594.2); short protein forms N165fs, N296fs.
Identifiers: ClinVar variation 1764959 (VCV001764959.2), dbSNP rs2485437241, ClinGen allele CA2580076433.